The following is an entry in ClinVar:

NM_000237.3(LPL):c.1018G>A (p.Val340Ile)

Gene: LPL (lipoprotein lipase; plus strand). Cytogenetic location: 8p21.3.
Variant type: single nucleotide variant.
Coding change: c.1018G>A on transcript NM_000237.3 (MANE Select); coding-DNA position 1018, G replaced by A.
Protein change: p.Val340Ile; replaces valine 340 with isoleucine.
Molecular consequence: missense variant.
Genome position (GRCh38, 1-based): chr8:19,956,083, G>A. VCF-style: chr8-19956083-G-A. GRCh37 (hg19) VCF-style: chr8-19813594-G-A.
Other names: short protein forms V340I.
Identifiers: ClinVar variation 3539209 (VCV003539209.1).

ClinVar aggregate classification (germline): Uncertain significance (1 of 4 stars; one submission).

Conditions:
Cardiovascular phenotype. Identifiers: MedGen CN230736.

gnomAD v4.1: 44 of 1,613,972 alleles (0.0027%); highest among the groups gnomAD compares: Non-Finnish European, 0.0036%; no homozygotes.

Submission:

Ambry Genetics
Classification: Uncertain significance for Cardiovascular phenotype. Last evaluated: 2024-07-29. Review status: criteria provided, single submitter. Criteria: Ambry Variant Classification Scheme 2023. Collection method: clinical testing. Allele origin: germline.
Comment: The c.1018G>A variant (also known as p.V340I), located in coding exon 6 of the LPL gene, results from a G to A substitution at nucleotide position 1018. The amino acid change results in valine to isoleucine at codon 340, an amino acid with highly similar properties. However, this change occurs in the last base pair of coding exon 6, which makes it likely to have some effect on normal mRNA splicing. This alteration has been reported in hypertriglyceridemia (HTG) cohorts (Wright WT et al. Atherosclerosis, 2008 Jul;199:187-92; Perera SD et al. J Clin Lipidol, 2023 Nov;17:87-93). This nucleotide position is highly conserved in available vertebrate species. This amino acid position is highly conserved in available vertebrate species. In silico splice site analysis predicts that this alteration will weaken the native splice donor site. In addition, as a missense substitution this is predicted to be inconclusive by in silico analysis. Based on the available evidence, the clinical significance of this variant remains unclear.

Literature cited by the submitters: PubMed 18068174; PubMed 36476373.